The following is an entry in ClinVar:

NM_004994.3(MMP9):c.1478C>T (p.Pro493Leu)

Gene: MMP9 (matrix metallopeptidase 9; plus strand). Cytogenetic location: 20q13.12.
Variant type: single nucleotide variant.
Coding change: c.1478C>T on transcript NM_004994.3 (MANE Select); coding-DNA position 1478, C replaced by T.
Protein change: p.Pro493Leu; replaces proline 493 with leucine.
Molecular consequence: missense variant.
Genome position (GRCh38, 1-based): chr20:46,013,402, C>T. VCF-style: chr20-46013402-C-T. GRCh37 (hg19) VCF-style: chr20-44642041-C-T.
Other names: short protein forms P493L.
Identifiers: ClinVar variation 1998744 (VCV001998744.4), dbSNP rs2515615083, ClinGen allele CA409220737.
Genomic context (GRCh38, chr20:46,013,402, plus strand): 5'-CCACTGTCCACCCCTCAGAGCGCCCCACAGCTGGCCCCACAGGTCCCCCCTCAGCTGGCC[C>T]CACAGGTCCCCCCACTGCTGGCCCTTCTACGGCCACTACTGTGCCTTTGAGTCCGGTGGA-3'
Protein context (NP_004985.2, residues 483-503): AGPTGPPSAG[Pro493Leu]TGPPTAGPST

ClinVar aggregate classification (germline): Uncertain significance (1 of 4 stars; one submission).

Submission:

Labcorp Genetics (formerly Invitae), Labcorp
Classification: Uncertain significance. Last evaluated: 2022-05-25. Review status: criteria provided, single submitter. Criteria: Invitae Variant Classification Sherloc (09022015). Collection method: clinical testing. Allele origin: germline.
Comment: In summary, the available evidence is currently insufficient to determine the role of this variant in disease. Therefore, it has been classified as a Variant of Uncertain Significance. Algorithms developed to predict the effect of missense changes on protein structure and function are either unavailable or do not agree on the potential impact of this missense change (SIFT: "Tolerated"; PolyPhen-2: "Probably Damaging"; Align-GVGD: "Class C0"). This variant has not been reported in the literature in individuals affected with MMP9-related conditions. This variant is not present in population databases (gnomAD no frequency). This sequence change replaces proline, which is neutral and non-polar, with leucine, which is neutral and non-polar, at codon 493 of the MMP9 protein (p.Pro493Leu).